The following is an entry in ClinVar:

NM_001267550.2(TTN):c.17222C>G (p.Ser5741Cys)

Genes: TTN (titin; minus strand), LOC126806431 (CDK7 strongly-dependent group 2 enhancer GRCh37_chr2:179595719-179596918; plus strand). Cytogenetic location: 2q31.2.
Variant type: single nucleotide variant.
Coding change: c.17222C>G on transcript NM_001267550.2 (MANE Select); coding-DNA position 17222, C replaced by G.
Protein change: p.Ser5741Cys; replaces serine 5741 with cysteine.
Molecular consequence: missense variant. On other transcripts: intron variant (3).
Genome position (GRCh38, 1-based): chr2:178,731,544, G>C on the plus strand (C>G on the coding strand, the complement: TTN is on the minus strand). VCF-style: chr2-178731544-G-C. GRCh37 (hg19) VCF-style: chr2-179596271-G-C.
Other names: p.S5424C:TCC>TGC; c.16271C>G, p.Ser5424Cys (NM_001256850.1); c.13490C>G, p.Ser4497Cys (NM_133378.4); c.13282+6538C>G (NM_003319.4); c.13858+6538C>G (NM_133437.4); c.13657+6538C>G (NM_133432.3); short protein forms S5424C, S5741C, S4497C.
Identifiers: ClinVar variation 203260 (VCV000203260.2), dbSNP rs794729614, ClinGen allele CA311844.

ClinVar aggregate classification (germline): Uncertain significance (1 of 4 stars; one submission).

Allele frequency attached by ClinVar (database versions not stated): gnomAD exomes below 0.00001.
gnomAD v4.1: 3 of 1,611,216 alleles (0.00019%); highest among the groups gnomAD compares: Non-Finnish European, 0.00025%; no homozygotes.

Submission:

GeneDx
Classification: Uncertain significance. Last evaluated: 2014-10-03. Review status: criteria provided, single submitter. Criteria: GeneDx Variant Classification (06012015). Collection method: clinical testing. Allele origin: germline. Affected: yes.
Comment: Missense variants in the TTN gene are considered 'unclassified' if they are not previously reported in the literature and do not have >1% frequency in the population to be considered a polymorphism. Research indicates that truncating mutations in the TTN gene are expected to account for approximately 25% of familial and 18% of sporadic idiopathic DCM; however, truncating variants in the TTN gene have been reported in approximately 3% of reported control alleles. There has been little investigation into non-truncating variants. (Herman D et al. Truncations of titin causing dilated cardiomyopathy. N Eng J Med 366:619-628, 2012) The variant is found in CARDIOMYOPATHY panel(s).